The following is an entry in ClinVar:

ClinVar aggregate classification (germline): Uncertain significance. Review status: criteria provided, single submitter (1 of 4 stars). 2 submissions from 2 submitters: Uncertain significance (1). 1 of the submissions does not count toward it. Last evaluated 2023-12-11.

Conditions:
Glycine encephalopathy. Also called: Nonketotic hyperglycinemia; Non-ketotic hyperglycinemia. Identifiers: Orphanet 407, MedGen C0751748, MONDO:0011612, HP:0008288.

Allele frequency attached by ClinVar (database versions not stated): TOPMed below 0.00001.

Submissions (2):

Labcorp Genetics (formerly Invitae), Labcorp
Classification: Uncertain significance for Glycine encephalopathy. Last evaluated: 2023-12-11. Review status: criteria provided, single submitter. Criteria: Invitae Variant Classification Sherloc (09022015). Collection method: clinical testing. Allele origin: germline.
Comment: This sequence change replaces alanine, which is neutral and non-polar, with valine, which is neutral and non-polar, at codon 355 of the GLDC protein (p.Ala355Val). This variant is not present in population databases (gnomAD no frequency). This variant has not been reported in the literature in individuals affected with GLDC-related conditions. ClinVar contains an entry for this variant (Variation ID: 2197889). Advanced modeling of protein sequence and biophysical properties (such as structural, functional, and spatial information, amino acid conservation, physicochemical variation, residue mobility, and thermodynamic stability) performed at Invitae indicates that this missense variant is not expected to disrupt GLDC protein function with a negative predictive value of 80%. In summary, the available evidence is currently insufficient to determine the role of this variant in disease. Therefore, it has been classified as a Variant of Uncertain Significance.

Natera, Inc.
Classification: Uncertain significance for Non-ketotic hyperglycinemia. Last evaluated: 2025-01-27. Review status: no assertion criteria provided. Collection method: clinical testing. Allele origin: germline. Not counted in ClinVar's aggregate classification.

NM_000170.3(GLDC):c.1064C>T (p.Ala355Val)

Gene: GLDC (glycine decarboxylase; minus strand). Cytogenetic location: 9p24.1.
Variant type: single nucleotide variant.
Coding change: c.1064C>T on transcript NM_000170.3 (MANE Select); coding-DNA position 1064, C replaced by T.
Protein change: p.Ala355Val; replaces alanine 355 with valine.
Molecular consequence: missense variant.
Genome position (GRCh38, 1-based): chr9:6,602,200, G>A on the plus strand (C>T on the coding strand, the complement: GLDC is on the minus strand). VCF-style: chr9-6602200-G-A. GRCh37 (hg19) VCF-style: chr9-6602200-G-A.
Other names: short protein forms A355V.
Identifiers: ClinVar variation 2197889 (VCV002197889.5), dbSNP rs921808718, ClinGen allele CA188679900.